The following is an entry in ClinVar:

ClinVar aggregate classification (germline): Pathogenic. Review status: criteria provided, multiple submitters, no conflicts (2 of 4 stars). 2 submissions from 2 submitters: Pathogenic (2). Last evaluated 2024-04-01.

Conditions:
Inborn genetic diseases. Identifiers: MedGen C0950123, MeSH D030342.

Submissions (2):

GeneDx
Classification: Pathogenic. Last evaluated: 2024-04-01. Review status: criteria provided, single submitter. Criteria: GeneDx Variant Classification Process June 2021. Collection method: clinical testing. Allele origin: germline. Affected: yes.
Comment: Not observed at significant frequency in large population cohorts (gnomAD); In silico analysis supports that this missense variant has a deleterious effect on protein structure/function; This variant is associated with the following publications: (PMID: 26795593)

Ambry Genetics
Classification: Pathogenic for Inborn genetic diseases. Last evaluated: 2015-04-28. Review status: criteria provided, single submitter. Criteria: Ambry exome assertion method (8-5-2015). Collection method: clinical testing. Allele origin: germline. Affected: yes. Observed: 1 variant allele.

NM_001759.4(CCND2):c.841C>G (p.Pro281Ala)

Gene: CCND2 (cyclin D2; plus strand). Cytogenetic location: 12p13.32.
Variant type: single nucleotide variant.
Coding change: c.841C>G on transcript NM_001759.4 (MANE Select); coding-DNA position 841, C replaced by G.
Protein change: p.Pro281Ala; replaces proline 281 with alanine.
Molecular consequence: missense variant.
Genome position (GRCh38, 1-based): chr12:4,299,980, C>G. VCF-style: chr12-4299980-C-G. GRCh37 (hg19) VCF-style: chr12-4409146-C-G.
Other names: short protein forms P281A.
Identifiers: ClinVar variation 520663 (VCV000520663.5), dbSNP rs587777621, ClinGen allele CA383413770.